The following is an entry in ClinVar:

ClinVar aggregate classification (germline): Uncertain significance (1 of 4 stars; one submission).

Submission:

Ambry Genetics
Classification: Uncertain significance. Last evaluated: 2020-01-14. Review status: criteria provided, single submitter. Criteria: Ambry Variant Classification Scheme 2023. Collection method: clinical testing. Allele origin: germline.
Comment: The p.S635W variant (also known as c.1904C>G) is located in coding exon 16 of the GARS gene. The serine at codon 635 is replaced by tryptophan, an amino acid with highly dissimilar properties. This change occurs in the first base pair of coding exon 16. This amino acid position is well conserved in available vertebrate species. In addition, this alteration is predicted to be deleterious by in silico analysis. Since supporting evidence is limited at this time, the clinical significance of this alteration remains unclear.

NM_002047.4(GARS1):c.1904C>G (p.Ser635Trp)

Gene: GARS1 (glycyl-tRNA synthetase 1; plus strand). Cytogenetic location: 7p14.3.
Variant type: single nucleotide variant.
Coding change: c.1904C>G on transcript NM_002047.4 (MANE Select); coding-DNA position 1904, C replaced by G.
Protein change: p.Ser635Trp; replaces serine 635 with tryptophan.
Molecular consequence: missense variant.
Genome position (GRCh38, 1-based): chr7:30,632,247, C>G. VCF-style: chr7-30632247-C-G. GRCh37 (hg19) VCF-style: chr7-30671863-C-G.
Other names: c.1742C>G, p.Ser581Trp (NM_001316772.1); short protein forms S581W, S635W.
Identifiers: ClinVar variation 1800155 (VCV001800155.2), dbSNP rs201358272, ClinGen allele CA4206121.